The following is an entry in ClinVar:

NM_000069.3(CACNA1S):c.4191T>A (p.His1397Gln)

Gene: CACNA1S (calcium voltage-gated channel subunit alpha1 S; minus strand). Cytogenetic location: 1q32.1.
Variant type: single nucleotide variant.
Coding change: c.4191T>A on transcript NM_000069.3 (MANE Select); coding-DNA position 4191, T replaced by A.
Protein change: p.His1397Gln; replaces histidine 1397 with glutamine.
Molecular consequence: missense variant.
Genome position (GRCh38, 1-based): chr1:201,050,439, A>T on the plus strand (T>A on the coding strand, the complement: CACNA1S is on the minus strand). VCF-style: chr1-201050439-A-T. GRCh37 (hg19) VCF-style: chr1-201019567-A-T.
Other names: short protein forms H1397Q.
Identifiers: ClinVar variation 3386307 (VCV003386307.3).

ClinVar aggregate classification (germline): Uncertain significance. Review status: criteria provided, multiple submitters, no conflicts (2 of 4 stars). 2 submissions from 2 submitters: Uncertain significance (2). Last evaluated 2024-08-06.

Conditions:
Malignant hyperthermia, susceptibility to, 5 (MHS5). Also called: CACNA1S-Related Malignant Hyperthermia Susceptibility. Identifiers: Orphanet 423, MedGen C1866077, MONDO:0011163, OMIM 601887.
Hypokalemic periodic paralysis, type 1. Also called: Hypokalemic Periodic Paralysis Type 1 (AD); HypoPP. Identifiers: Orphanet 681, MedGen C3714580, MONDO:0042979, OMIM 170400.

gnomAD v4.1: 8 of 1,613,974 alleles (0.0005%); highest among the groups gnomAD compares: Non-Finnish European, 0.00059%; no homozygotes.

Submissions (2):

All of Us Research Program, National Institutes of Health
Classification: Uncertain significance for Malignant hyperthermia, susceptibility to, 5. Last evaluated: 2024-08-06. Review status: criteria provided, single submitter. Criteria: ACMG Guidelines, 2015. Collection method: clinical testing. Allele origin: germline. Inheritance: Autosomal dominant inheritance. Observed: 1 variant allele, 1 heterozygote.
Comment: This study involves interpretation of variants in research participants for the purpose of population health screening. Participant phenotype was not available at the time of variant classification. Additional details can be found in publication PMID: 35346344, PMCID: PMC8962531

Labcorp Genetics (formerly Invitae), Labcorp
Classification: Uncertain significance for Hypokalemic periodic paralysis, type 1; Malignant hyperthermia, susceptibility to, 5. Last evaluated: 2024-07-06. Review status: criteria provided, single submitter. Criteria: Invitae Variant Classification Sherloc (09022015). Collection method: clinical testing. Allele origin: germline.
Comment: This sequence change replaces histidine, which is basic and polar, with glutamine, which is neutral and polar, at codon 1397 of the CACNA1S protein (p.His1397Gln). This variant is not present in population databases (gnomAD no frequency). This variant has not been reported in the literature in individuals affected with CACNA1S-related conditions. Advanced modeling of protein sequence and biophysical properties (such as structural, functional, and spatial information, amino acid conservation, physicochemical variation, residue mobility, and thermodynamic stability) performed at Invitae indicates that this missense variant is not expected to disrupt CACNA1S protein function with a negative predictive value of 80%. In summary, the available evidence is currently insufficient to determine the role of this variant in disease. Therefore, it has been classified as a Variant of Uncertain Significance.